The following is an entry in ClinVar:

NM_002206.3(ITGA7):c.2219A>G (p.Asn740Ser)

Genes: ITGA7 (integrin subunit alpha 7; minus strand), LOC126861535 (CDK7 strongly-dependent group 2 enhancer GRCh37_chr12:56087579-56088778; plus strand). Cytogenetic location: 12q13.2.
Variant type: single nucleotide variant.
Coding change: c.2219A>G on transcript NM_002206.3 (MANE Select); coding-DNA position 2219, A replaced by G.
Protein change: p.Asn740Ser; replaces asparagine 740 with serine.
Molecular consequence: missense variant.
Genome position (GRCh38, 1-based): chr12:55,694,673, T>C on the plus strand (A>G on the coding strand, the complement: ITGA7 is on the minus strand). VCF-style: chr12-55694673-T-C. GRCh37 (hg19) VCF-style: chr12-56088457-T-C.
Other names: c.2231A>G, p.Asn744Ser (NM_001144996.2); c.1940A>G, p.Asn647Ser (NM_001144997.2); c.1892A>G, p.Asn631Ser (NM_001367993.1); c.875A>G, p.Asn292Ser (NM_001367994.1); c.2201A>G, p.Asn734Ser (NM_001374465.1); c.1994A>G, p.Asn665Ser (NM_001414034.1); c.1880A>G, p.Asn627Ser (NM_001414035.1); c.2351A>G, p.Asn784Ser (NM_001410977.1); and 6 more; short protein forms N744S, N631S, N647S, N740S, N292S, N734S, N784S, N679S.
Identifiers: ClinVar variation 1463340 (VCV001463340.8), dbSNP rs758279149, ClinGen allele CA6615700.

ClinVar aggregate classification (germline): Uncertain significance. Review status: criteria provided, multiple submitters, no conflicts (2 of 4 stars). 2 submissions from 2 submitters: Uncertain significance (2). Last evaluated 2025-09-04.

Conditions:
Congenital muscular dystrophy due to integrin alpha-7 deficiency. Also called: Congenital muscular dystrophy with integrin alpha-7 deficiency; Muscular dystrophy, congenital, due to ITGA7 deficiency; MYOPATHY, CONGENITAL, DUE TO INTEGRIN ALPHA-7 DEFICIENCY. Identifiers: Orphanet 34520, MedGen C2750786, MONDO:0013177, OMIM 613204.

gnomAD v4.1: 3 of 1,614,162 alleles (0.00019%); highest among the groups gnomAD compares: East Asian, 0.0022%; no homozygotes.

Submissions (2):

Ambry Genetics
Classification: Uncertain significance. Last evaluated: 2025-09-04. Review status: criteria provided, single submitter. Criteria: Ambry Variant Classification Scheme 2023. Collection method: clinical testing. Allele origin: germline.

Labcorp Genetics (formerly Invitae), Labcorp
Classification: Uncertain significance for Congenital muscular dystrophy due to integrin alpha-7 deficiency. Last evaluated: 2022-07-19. Review status: criteria provided, single submitter. Criteria: Invitae Variant Classification Sherloc (09022015). Collection method: clinical testing. Allele origin: germline.
Comment: This sequence change replaces asparagine, which is neutral and polar, with serine, which is neutral and polar, at codon 740 of the ITGA7 protein (p.Asn740Ser). In summary, the available evidence is currently insufficient to determine the role of this variant in disease. Therefore, it has been classified as a Variant of Uncertain Significance. Algorithms developed to predict the effect of sequence changes on RNA splicing suggest that this variant may create or strengthen a splice site. Algorithms developed to predict the effect of missense changes on protein structure and function (SIFT, PolyPhen-2, Align-GVGD) all suggest that this variant is likely to be tolerated. ClinVar contains an entry for this variant (Variation ID: 1463340). This variant has not been reported in the literature in individuals affected with ITGA7-related conditions. This variant is present in population databases (rs758279149, gnomAD 0.003%).